The following is an entry in ClinVar:

NM_001631.5(ALPI):c.940G>A (p.Ala314Thr)

Gene: ALPI (alkaline phosphatase, intestinal; plus strand). Cytogenetic location: 2q37.1.
Variant type: single nucleotide variant.
Coding change: c.940G>A on transcript NM_001631.5 (MANE Select); coding-DNA position 940, G replaced by A.
Protein change: p.Ala314Thr; replaces alanine 314 with threonine.
Molecular consequence: missense variant.
Genome position (GRCh38, 1-based): chr2:232,458,081, G>A. VCF-style: chr2-232458081-G-A. GRCh37 (hg19) VCF-style: chr2-233322791-G-A.
Other names: short protein forms A314T.
Identifiers: ClinVar variation 3769360 (VCV003769360.2).
Genomic context (GRCh38, chr2:232,458,081, plus strand): 5'-AAATATGAGATCCACCGAGACCCCACACTGGACCCCTCCCTGATGGAGATGACAGAGGCT[G>A]CCCTGCGCCTGCTGAGCAGGAACCCCCGCGGCTTCTACCTCTTTGTGGAGGGTGCGTGGT-3'
Protein context (NP_001622.2, residues 304-324): DPSLMEMTEA[Ala314Thr]LRLLSRNPRG

ClinVar aggregate classification (germline): Uncertain significance (1 of 4 stars; one submission).

gnomAD v4.1: 35 of 1,614,030 alleles (0.0022%); highest among the groups gnomAD compares: Non-Finnish European, 0.0027%; no homozygotes.

Submission:

Women's Health and Genetics/Laboratory Corporation of America, LabCorp
Classification: Uncertain significance. Last evaluated: 2025-01-28. Review status: criteria provided, single submitter. Criteria: LabCorp Variant Classification Summary - May 2015. Collection method: clinical testing. Allele origin: germline.
Comment: Variant summary: ALPI c.940G>A (p.Ala314Thr) results in a non-conservative amino acid change located in the Alkaline phosphatase domain (IPR001952) of the encoded protein sequence. Five of five in-silico tools predict a damaging effect of the variant on protein function. The variant allele was found at a frequency of 4e-06 in 251318 control chromosomes. The available data on variant occurrences in the general population are insufficient to allow any conclusion about variant significance. To our knowledge, no occurrence of c.940G>A in individuals affected with ALPI-related inflammatory bowel disease and no experimental evidence demonstrating its impact on protein function have been reported. No submitters have cited clinical-significance assessments for this variant to ClinVar. Based on the evidence outlined above, the variant was classified as uncertain significance.